The following is an entry in ClinVar:

ClinVar aggregate classification (germline): Pathogenic (1 of 4 stars; one submission).

Conditions:
Hereditary cancer-predisposing syndrome. Also called: Hereditary Cancer Syndrome; Hereditary neoplastic syndrome; Neoplastic Syndromes, Hereditary; Tumor predisposition. Identifiers: Orphanet 140162, MedGen C0027672, MeSH D009386, MONDO:0015356.

Submission:

Ambry Genetics
Classification: Pathogenic for Hereditary cancer-predisposing syndrome. Last evaluated: 2018-05-03. Review status: criteria provided, single submitter. Criteria: Ambry Variant Classification Scheme 2023. Collection method: clinical testing. Allele origin: germline.
Comment: The c.938delT pathogenic mutation, located in coding exon 6 of the FLCN gene, results from a deletion of one nucleotide at nucleotide position 938, causing a translational frameshift with a predicted alternate stop codon (p.L313Cfs*10). This alteration is expected to result in loss of function by premature protein truncation or nonsense-mediated mRNA decay. As such, this alteration is interpreted as a disease-causing mutation.

NM_144997.7(FLCN):c.938del (p.Leu313fs)

Gene: FLCN (folliculin; minus strand). Cytogenetic location: 17p11.2.
Variant type: Deletion.
Coding change: c.938del on transcript NM_144997.7 (MANE Select); coding-DNA position 938, one base deleted (T; older notation c.938delT).
Protein change: p.Leu313fs; shifts the reading frame from leucine 313.
Molecular consequence: frameshift variant.
Genome position (GRCh38, 1-based): chr17:17,219,143, A deleted on the plus strand (T on the coding strand, the reverse complement: FLCN is on the minus strand); the first of 2 consecutive A bases (chr17:17,219,143-17,219,144); deleting either gives the same sequence. VCF-style (leftmost placement, unchanged base first): chr17-17219142-CA-C. GRCh37 (hg19) VCF-style: chr17-17122456-CA-C.
Other names: c.992del, p.Leu331fs (NM_001353229.2); c.938del, p.Leu313fs (NM_001353230.2, NM_001353231.2); c.938delT (NM_144997.5); short protein forms L313fs, L331fs.
Identifiers: ClinVar variation 1766766 (VCV001766766.2), dbSNP rs2544195992, ClinGen allele CA2580092612.